The following is an entry in ClinVar:

NM_000135.4(FANCA):c.2839T>C (p.Ser947Pro)

Gene: FANCA (FA complementation group A; minus strand). Cytogenetic location: 16q24.3.
Variant type: single nucleotide variant.
Coding change: c.2839T>C on transcript NM_000135.4 (MANE Select); coding-DNA position 2839, T replaced by C.
Protein change: p.Ser947Pro; replaces serine 947 with proline.
Molecular consequence: missense variant.
Genome position (GRCh38, 1-based): chr16:89,761,962, A>G on the plus strand (T>C on the coding strand, the complement: FANCA is on the minus strand). VCF-style: chr16-89761962-A-G. GRCh37 (hg19) VCF-style: chr16-89828370-A-G.
Other names: c.2839T>C, p.Ser947Pro (NM_001286167.3); short protein forms S947P.
Identifiers: ClinVar variation 4022238 (VCV004022238.1).

ClinVar aggregate classification (germline): Uncertain significance (1 of 4 stars; one submission).

Conditions:
Inborn genetic diseases. Identifiers: MedGen C0950123, MeSH D030342.

gnomAD v4.1: 1 of 1,613,996 alleles (0.000062%); highest among the groups gnomAD compares: Admixed American, 0.0017%; no homozygotes.

Submission:

Ambry Genetics
Classification: Uncertain significance for Inborn genetic diseases. Last evaluated: 2025-05-05. Review status: criteria provided, single submitter. Criteria: Ambry Variant Classification Scheme 2023. Collection method: clinical testing. Allele origin: germline.
Comment: The p.S947P variant (also known as c.2839T>C), located in coding exon 29 of the FANCA gene, results from a T to C substitution at nucleotide position 2839. The serine at codon 947 is replaced by proline, an amino acid with similar properties. This amino acid position is conserved. In addition, this alteration is predicted to be deleterious by in silico analysis. Based on the available evidence, the clinical significance of this variant remains unclear.